The following is an entry in ClinVar:

NM_002880.4(RAF1):c.146C>G (p.Thr49Arg)

Gene: RAF1 (Raf-1 proto-oncogene, serine/threonine kinase; minus strand). Cytogenetic location: 3p25.2.
Variant type: single nucleotide variant.
Coding change: c.146C>G on transcript NM_002880.4 (MANE Select); coding-DNA position 146, C replaced by G.
Protein change: p.Thr49Arg; replaces threonine 49 with arginine.
Molecular consequence: missense variant. On other transcripts: non-coding transcript variant (3).
Genome position (GRCh38, 1-based): chr3:12,618,576, G>C on the plus strand (C>G on the coding strand, the complement: RAF1 is on the minus strand). VCF-style: chr3-12618576-G-C. GRCh37 (hg19) VCF-style: chr3-12660075-G-C.
Other names: c.146C>G, p.Thr49Arg (NM_001354689.3, NM_001354690.3, NM_001354693.3); c.16C>G, p.Gln6Glu (NM_001354691.3, NM_001354692.3, NM_001354694.3 and 1 more transcripts); short protein forms Q6E, T49R.
Identifiers: ClinVar variation 1716263 (VCV001716263.5), dbSNP rs2125452958, ClinGen allele CA351484977.

ClinVar aggregate classification (germline): Uncertain significance (1 of 4 stars; one submission).

Conditions:
RASopathy. Also called: rasopathies; Noonan spectrum disorder. Identifiers: Orphanet 536391, MedGen C5555857, MONDO:0021060.

Submission:

Labcorp Genetics (formerly Invitae), Labcorp
Classification: Uncertain significance for RASopathy. Last evaluated: 2024-01-24. Review status: criteria provided, single submitter. Criteria: Invitae Variant Classification Sherloc (09022015). Collection method: clinical testing. Allele origin: germline.
Comment: This sequence change replaces threonine, which is neutral and polar, with arginine, which is basic and polar, at codon 49 of the RAF1 protein (p.Thr49Arg). This variant is not present in population databases (gnomAD no frequency). This variant has not been reported in the literature in individuals affected with RAF1-related conditions. ClinVar contains an entry for this variant (Variation ID: 1716263). Advanced modeling of protein sequence and biophysical properties (such as structural, functional, and spatial information, amino acid conservation, physicochemical variation, residue mobility, and thermodynamic stability) performed at Invitae indicates that this missense variant is not expected to disrupt RAF1 protein function with a negative predictive value of 95%. In summary, the available evidence is currently insufficient to determine the role of this variant in disease. Therefore, it has been classified as a Variant of Uncertain Significance.